The following is an entry in ClinVar:

NM_004281.4(BAG3):c.108G>A (p.Trp36Ter)

Gene: BAG3 (BAG cochaperone 3; plus strand). Cytogenetic location: 10q26.11.
Variant type: single nucleotide variant.
Coding change: c.108G>A on transcript NM_004281.4 (MANE Select); coding-DNA position 108, G replaced by A.
Protein change: p.Trp36Ter; replaces tryptophan 36 with a stop codon.
Molecular consequence: nonsense.
Genome position (GRCh38, 1-based): chr10:119,651,783, G>A. VCF-style: chr10-119651783-G-A. GRCh37 (hg19) VCF-style: chr10-121411295-G-A.
Other names: short protein forms W36*.
Identifiers: ClinVar variation 949224 (VCV000949224.13), dbSNP rs1846844070, ClinGen allele CA378294193.

ClinVar aggregate classification (germline): Pathogenic/Likely pathogenic. Review status: criteria provided, multiple submitters, no conflicts (2 of 4 stars). 4 submissions from 4 submitters: Pathogenic (3); Likely pathogenic (1). Last evaluated 2025-04-10.

Conditions:
Dilated cardiomyopathy 1HH (CMD1HH). Identifiers: Orphanet 154, MedGen C3151293, MONDO:0013479, OMIM 613881.
Cardiovascular phenotype. Identifiers: MedGen CN230736.
BAG3-related disorder. Also called: BAG3-related condition.
Myofibrillar myopathy 6. Identifiers: Orphanet 199340, MedGen C2751831, MONDO:0013061, OMIM 612954.

Submissions (4):

PreventionGenetics, part of Exact Sciences
Classification: Pathogenic for BAG3-related condition. Last evaluated: 2025-04-10. Review status: criteria provided, single submitter. Criteria: ACMG Guidelines, 2015. Collection method: clinical testing. Allele origin: germline.
Comment: The BAG3 c.108G>A variant is predicted to result in premature protein termination (p.Trp36*). This variant was reported in individuals with dilated cardiomyopathy (Dominguez et al. 2018. PubMed ID: 30442290; Ramchand et al. 2020). This variant has not been reported in a large population database (gnomAD), indicating this variant is rare. Nonsense variants in BAG3 are expected to be pathogenic. This variant is interpreted as pathogenic.

Victorian Clinical Genetics Services, Murdoch Childrens Research Institute
Classification: Pathogenic for Dilated cardiomyopathy 1HH. Last evaluated: 2024-10-09. Review status: criteria provided, single submitter. Criteria: ACMG Guidelines, 2015. Collection method: clinical testing. Allele origin: germline. Inheritance: Autosomal dominant inheritance. Affected: yes.
Comment: Based on the classification scheme VCGS_Germline_v1.3.4, this variant is classified as Pathogenic. Following criteria are met: 0103 - Loss of function and gain of function are known mechanisms of disease in this gene and are associated with dilated cardiomyopathy, 1HH (DCM; MIM#613881) and myofibrillar myopathy, 6 (MIM#612954). Missense variants with a gain of function effect have been reported in individuals with myopathy, whereas missense variants with a loss of function effect and variants resulting in a premature termination codon, have been reported in individuals with DCM (OMIM, PMID: 30442290). (I) 0107 - This gene is associated with autosomal dominant disease. (I) 0201 - Variant is predicted to cause nonsense-mediated decay (NMD) and loss of protein (premature termination codon is located at least 54 nucleotides upstream of the final exon-exon junction). (SP) 0251 - This variant is heterozygous. (I) 0301 - Variant is absent from gnomAD (both v2 and v3). (SP) 0701 - Other NMD-predicted variants comparable to the one identified in this case have very strong previous evidence for pathogenicity. These variants have been reported in many individuals with dilated cardiomyopathy (DECIPHER, PMID: 30442290). (SP) 0802 - This variant has moderate previous evidence of pathogenicity in unrelated individuals. This variant has been classified as pathogenic and likely pathogenic by clinical laboratories in ClinVar, and has been observed in an individual with DCM (PMID: 30442290). (SP) 0905 - No published segregation evidence has been identified for this variant. (I) 1007 - No published functional evidence has been identified for this variant. (I) 1208 - Inheritance information for this variant is not currently available in this individual. (I) Legend: (SP) - Supporting pathogenic, (I) - Information, (SB) - Supporting benign

Labcorp Genetics (formerly Invitae), Labcorp
Classification: Pathogenic for Dilated cardiomyopathy 1HH; Myofibrillar myopathy 6. Last evaluated: 2023-01-14. Review status: criteria provided, single submitter. Criteria: Invitae Variant Classification Sherloc (09022015). Collection method: clinical testing. Allele origin: germline.
Comment: This sequence change creates a premature translational stop signal (p.Trp36*) in the BAG3 gene. It is expected to result in an absent or disrupted protein product. Loss-of-function variants in BAG3 are known to be pathogenic (PMID: 21353195, 25008357). This variant is not present in population databases (gnomAD no frequency). For these reasons, this variant has been classified as Pathogenic. ClinVar contains an entry for this variant (Variation ID: 949224). This premature translational stop signal has been observed in individual(s) with clinical features of BAG3-related conditions (PMID: 30442290, 31931689).

Ambry Genetics
Classification: Likely pathogenic for Cardiovascular phenotype. Last evaluated: 2022-11-14. Review status: criteria provided, single submitter. Criteria: Ambry Variant Classification Scheme 2023. Collection method: clinical testing. Allele origin: germline.
Comment: The p.W36* variant (also known as c.108G>A), located in coding exon 1 of the BAG3 gene, results from a G to A substitution at nucleotide position 108. This changes the amino acid from a tryptophan to a stop codon within coding exon 1. The predicted stop codon occurs in the 5&rsquo; end of theBAG3 gene. Premature termination codons in the 5&rsquo; end of a gene have been reported to escape nonsense-mediated mRNAdecay and/or lead to re-initiation (Rivas et al. Science. 2015 May 8;348(6235):666-9; Lindeboom et al. Nat Genet. 2016 Oct;48(10):1112-8; Rhee et al. Sci Rep. 2017 May 10;7(1):1653). Direct evidence for this alteration is unavailable, however premature termination codons are typically deleterious in nature. This variant has been detected in individuals from dilated cardiomyopathy cohorts; however, details were limited (Dom&iacute;nguez F et al. J Am Coll Cardiol, 2018 11;72:2471-2481; Ramchand J et al. J Am Heart Assoc, 2020 01;9:e013346). This variant is considered to be rare based on population cohorts in the Genome Aggregation Database (gnomAD). Based on the majority of available evidence to date, this variant is likely to be pathogenic.

Literature cited by the submitters: PubMed 30442290 (cited by 3 submitters); PubMed 21353195 (cited by Labcorp Genetics (formerly Invitae), Labcorp); PubMed 25008357 (cited by Labcorp Genetics (formerly Invitae), Labcorp); PubMed 31931689 (cited by Labcorp Genetics (formerly Invitae), Labcorp and Ambry Genetics).